The following is an entry in ClinVar:

ClinVar aggregate classification (germline): Uncertain significance. Review status: criteria provided, multiple submitters, no conflicts (2 of 4 stars). 2 submissions from 2 submitters: Uncertain significance (2). Last evaluated 2025-08-15.

Conditions:
Inborn genetic diseases. Identifiers: MedGen C0950123, MeSH D030342.

Allele frequency attached by ClinVar (database versions not stated): gnomAD exomes below 0.00001; gnomAD 0.00001.
gnomAD v4.1: 8 of 1,613,872 alleles (0.0005%); highest among the groups gnomAD compares: East Asian, 0.0045%; no homozygotes.

Submissions (2):

Dasa
Classification: Uncertain significance. Last evaluated: 2025-08-15. Review status: criteria provided, single submitter. Criteria: DASA Assertion Criteria. Collection method: clinical testing. Allele origin: germline.
Comment: NM_001348323.3(TRIP12):c.5296G>A (p.Ala1766Thr) is a missense variant that results in the substitution of alanine with threonine. This variant is rare in population databases. Computational prediction algorithms are consistent with a benign effect. The currently available literature and clinical evidence are not sufficient to establish a definitive association between this variant and the reported condition. Therefore, this variant is classified as a variant of uncertain significance.

Ambry Genetics
Classification: Uncertain significance for Inborn genetic diseases. Last evaluated: 2023-05-01. Review status: criteria provided, single submitter. Criteria: Ambry Variant Classification Scheme 2023. Collection method: clinical testing. Allele origin: germline.

NM_001348323.3(TRIP12):c.5296G>A (p.Ala1766Thr)

Gene: TRIP12 (thyroid hormone receptor interactor 12; minus strand). Cytogenetic location: 2q36.3.
Variant type: single nucleotide variant.
Coding change: c.5296G>A on transcript NM_001348323.3 (MANE Select); coding-DNA position 5296, G replaced by A.
Protein change: p.Ala1766Thr; replaces alanine 1766 with threonine.
Molecular consequence: missense variant.
Genome position (GRCh38, 1-based): chr2:229,778,501, C>T on the plus strand (G>A on the coding strand, the complement: TRIP12 is on the minus strand). VCF-style: chr2-229778501-C-T. GRCh37 (hg19) VCF-style: chr2-230643217-C-T.
Other names: c.5215G>A, p.Ala1739Thr (NM_001284214.2, NM_001348315.2); c.5170G>A, p.Ala1724Thr (NM_001284215.2, NM_001348316.2); c.4261G>A, p.Ala1421Thr (NM_001284216.2); c.5155G>A, p.Ala1719Thr (NM_001348317.1, NM_001348318.2); c.5281G>A, p.Ala1761Thr (NM_001348319.1, NM_001348320.2); c.5284G>A, p.Ala1762Thr (NM_001348321.1); c.5296G>A, p.Ala1766Thr (NM_001348322.1, NM_001348324.2, NM_001348325.2 and 2 more transcripts); c.5299G>A, p.Ala1767Thr (NM_001348328.1, NM_001348329.2, NM_001348330.2); and 4 more; short protein forms A1691T, A1724T, A1739T, A1766T, A1732T, A1761T, A1767T, A1421T.
Identifiers: ClinVar variation 2541891 (VCV002541891.4), dbSNP rs1166506054, ClinGen allele CA350887404.